The following is an entry in ClinVar:

NM_000057.4(BLM):c.862T>A (p.Cys288Ser)

Gene: BLM (BLM RecQ like helicase; plus strand). Cytogenetic location: 15q26.1.
Variant type: single nucleotide variant.
Coding change: c.862T>A on transcript NM_000057.4 (MANE Select); coding-DNA position 862, T replaced by A.
Protein change: p.Cys288Ser; replaces cysteine 288 with serine.
Molecular consequence: missense variant. On other transcripts: 5 prime UTR variant (1).
Genome position (GRCh38, 1-based): chr15:90,751,849, T>A. VCF-style: chr15-90751849-T-A. GRCh37 (hg19) VCF-style: chr15-91295079-T-A.
Other names: c.862T>A, p.Cys288Ser (NM_001287246.2, NM_001287247.2); c.-430T>A (NM_001287248.2); short protein forms C288S.
Identifiers: ClinVar variation 1504771 (VCV001504771.8), dbSNP rs2151149624, ClinGen allele CA393841749.

ClinVar aggregate classification (germline): Uncertain significance (1 of 4 stars; one submission).

Conditions:
Bloom syndrome (BLM). Also called: Bloom-Torre-Machacek syndrome. Identifiers: Orphanet 125, MedGen C0005859, MONDO:0008876, OMIM 210900.

Submission:

Labcorp Genetics (formerly Invitae), Labcorp
Classification: Uncertain significance for Bloom syndrome. Last evaluated: 2021-01-27. Review status: criteria provided, single submitter. Criteria: Invitae Variant Classification Sherloc (09022015). Collection method: clinical testing. Allele origin: germline.
Comment: Algorithms developed to predict the effect of missense changes on protein structure and function (SIFT, PolyPhen-2, Align-GVGD) all suggest that this variant is likely to be tolerated, but these predictions have not been confirmed by published functional studies and their clinical significance is uncertain. In summary, the available evidence is currently insufficient to determine the role of this variant in disease. Therefore, it has been classified as a Variant of Uncertain Significance. This variant has not been reported in the literature in individuals with BLM-related conditions. This variant is not present in population databases (ExAC no frequency). This sequence change replaces cysteine with serine at codon 288 of the BLM protein (p.Cys288Ser). The cysteine residue is weakly conserved and there is a moderate physicochemical difference between cysteine and serine.